The following is an entry in ClinVar:

ClinVar aggregate classification (germline): Uncertain significance. Review status: criteria provided, multiple submitters, no conflicts (2 of 4 stars). 2 submissions from 2 submitters: Uncertain significance (2). Last evaluated 2025-03-27.

Conditions:
Ectodermal dysplasia and immunodeficiency 2. Identifiers: Orphanet 238468, Orphanet 98813, MedGen C2677481, MONDO:0012806, OMIM 612132.
Inborn genetic diseases. Identifiers: MedGen C0950123, MeSH D030342.

Allele frequency attached by ClinVar (database versions not stated): ExAC 0.00001; gnomAD 0.00001; TOPMed 0.00001.
gnomAD v4.1: 8 of 1,611,942 alleles (0.0005%); highest among the groups gnomAD compares: Non-Finnish European, 0.00068%; no homozygotes.

Submissions (2):

Ambry Genetics
Classification: Uncertain significance for Inborn genetic diseases. Last evaluated: 2025-03-27. Review status: criteria provided, single submitter. Criteria: Ambry Variant Classification Scheme 2023. Collection method: clinical testing. Allele origin: germline.

Labcorp Genetics (formerly Invitae), Labcorp
Classification: Uncertain significance for Ectodermal dysplasia and immunodeficiency 2. Last evaluated: 2022-06-15. Review status: criteria provided, single submitter. Criteria: Invitae Variant Classification Sherloc (09022015). Collection method: clinical testing. Allele origin: germline.
Comment: In summary, the available evidence is currently insufficient to determine the role of this variant in disease. Therefore, it has been classified as a Variant of Uncertain Significance. Algorithms developed to predict the effect of missense changes on protein structure and function (SIFT, PolyPhen-2, Align-GVGD) all suggest that this variant is likely to be tolerated. This variant has not been reported in the literature in individuals affected with NFKBIA-related conditions. This variant is present in population databases (rs777640654, gnomAD 0.0009%). This sequence change replaces isoleucine, which is neutral and non-polar, with methionine, which is neutral and non-polar, at codon 175 of the NFKBIA protein (p.Ile175Met).

NM_020529.3(NFKBIA):c.525C>G (p.Ile175Met)

Gene: NFKBIA (NFKB inhibitor alpha; minus strand). Cytogenetic location: 14q13.2.
Variant type: single nucleotide variant.
Coding change: c.525C>G on transcript NM_020529.3 (MANE Select); coding-DNA position 525, C replaced by G.
Protein change: p.Ile175Met; replaces isoleucine 175 with methionine.
Molecular consequence: missense variant.
Genome position (GRCh38, 1-based): chr14:35,403,172, G>C on the plus strand (C>G on the coding strand, the complement: NFKBIA is on the minus strand). VCF-style: chr14-35403172-G-C. GRCh37 (hg19) VCF-style: chr14-35872378-G-C.
Other names: short protein forms I175M.
Identifiers: ClinVar variation 2186828 (VCV002186828.5), dbSNP rs777640654, ClinGen allele CA7155450.
Genomic context (GRCh38, chr14:35,403,172, plus strand): 5'-CTCCGAGGGGGTGGGGCAGGGCAGGGAGGCAGACATACCATTGTAGTTGGTAGCCTTCAG[G>C]ATGGAGTGGAGGTGCGGGGTGGTGCAGGACTGAGTCAGGACTCCCACGCTGGCCAGGCAG-3'
Protein context (NP_065390.1, residues 165-185): QSCTTPHLHS[Ile175Met]LKATNYNGHT